The following is an entry in ClinVar:

NM_001111.5(ADAR):c.3574T>G (p.Tyr1192Asp)

Gene: ADAR (adenosine deaminase RNA specific; minus strand). Cytogenetic location: 1q21.3.
Variant type: single nucleotide variant.
Coding change: c.3574T>G on transcript NM_001111.5 (MANE Select); coding-DNA position 3574, T replaced by G.
Protein change: p.Tyr1192Asp; replaces tyrosine 1192 with aspartic acid.
Molecular consequence: missense variant.
Genome position (GRCh38, 1-based): chr1:154,584,913, A>C on the plus strand (T>G on the coding strand, the complement: ADAR is on the minus strand). VCF-style: chr1-154584913-A-C. GRCh37 (hg19) VCF-style: chr1-154557389-A-C.
Other names: c.2689T>G, p.Tyr897Asp (NM_001025107.3, NM_001193495.2, NM_001365046.1 and 2 more transcripts); c.3601T>G, p.Tyr1201Asp (NM_001365045.1); c.2611T>G, p.Tyr871Asp (NM_001365049.1); c.3496T>G, p.Tyr1166Asp (NM_015840.4); c.3439T>G, p.Tyr1147Asp (NM_015841.4); short protein forms Y1166D, Y1201D, Y871D, Y1147D, Y1192D, Y897D.
Identifiers: ClinVar variation 2202842 (VCV002202842.4), dbSNP rs2526443865, ClinGen allele CA342634663.

ClinVar aggregate classification (germline): Uncertain significance (1 of 4 stars; one submission).

Conditions:
Symmetrical dyschromatosis of extremities (DSH). Also called: RETICULATE ACROPIGMENTATION OF DOHI; SYMMETRIC DYSCHROMATOSIS OF THE EXTREMITIES; Dyschromatosis symmetrica hereditaria; DYSCHROMATOSIS SYMMETRICA HEREDITARIA 1. Identifiers: Orphanet 41, MedGen C0406775, MONDO:0007483, OMIM 127400.
Aicardi-Goutieres syndrome 6 (AGS6). Identifiers: Orphanet 51, MedGen C3539013, MONDO:0014007, OMIM 615010.

Submission:

Labcorp Genetics (formerly Invitae), Labcorp
Classification: Uncertain significance for Aicardi-Goutieres syndrome 6; Symmetrical dyschromatosis of extremities. Last evaluated: 2022-07-19. Review status: criteria provided, single submitter. Criteria: Invitae Variant Classification Sherloc (09022015). Collection method: clinical testing. Allele origin: germline.
Comment: In summary, the available evidence is currently insufficient to determine the role of this variant in disease. Therefore, it has been classified as a Variant of Uncertain Significance. Algorithms developed to predict the effect of missense changes on protein structure and function are either unavailable or do not agree on the potential impact of this missense change (SIFT: "Deleterious"; PolyPhen-2: "Probably Damaging"; Align-GVGD: "Class C15"). This missense change has been observed in individual(s) with dyschromatosis symmetrica hereditaria (PMID: 20186421). This variant is not present in population databases (gnomAD no frequency). This sequence change replaces tyrosine, which is neutral and polar, with aspartic acid, which is acidic and polar, at codon 1192 of the ADAR protein (p.Tyr1192Asp).

Literature cited by the submitters: PubMed 20186421.